The following is an entry in ClinVar:

NM_014714.4(IFT140):c.2585C>T (p.Ala862Val)

Gene: IFT140 (intraflagellar transport 140; minus strand). Cytogenetic location: 16p13.3.
Variant type: single nucleotide variant.
Coding change: c.2585C>T on transcript NM_014714.4 (MANE Select); coding-DNA position 2585, C replaced by T.
Protein change: p.Ala862Val; replaces alanine 862 with valine.
Molecular consequence: missense variant.
Genome position (GRCh38, 1-based): chr16:1,526,070, G>A on the plus strand (C>T on the coding strand, the complement: IFT140 is on the minus strand). VCF-style: chr16-1526070-G-A. GRCh37 (hg19) VCF-style: chr16-1576071-G-A.
Other names: short protein forms A862V.
Identifiers: ClinVar variation 1900693 (VCV001900693.5), dbSNP rs1269311303, ClinGen allele CA394227893.

ClinVar aggregate classification (germline): Uncertain significance (1 of 4 stars; one submission).

Conditions:
Saldino-Mainzer syndrome (SRTD9). Also called: Renal dysplasia, retinal pigmentary dystrophy, cerebellar ataxia and skeletal dysplasia; CONORENAL SYNDROME; short-rib thoracic dysplasia 9 with or without polydactyly; SHORT-RIB THORACIC DYSPLASIA 9 WITHOUT POLYDACTYLY. Identifiers: Orphanet 140969, MedGen C1849437, MONDO:0009964, OMIM 266920.

Allele frequency attached by ClinVar (database versions not stated): gnomAD exomes below 0.00001.
gnomAD v4.1: 2 of 1,585,078 alleles (0.00013%); highest among the groups gnomAD compares: South Asian, 0.0012%; no homozygotes.

Submission:

Labcorp Genetics (formerly Invitae), Labcorp
Classification: Uncertain significance for Saldino-Mainzer syndrome. Last evaluated: 2025-09-20. Review status: criteria provided, single submitter. Criteria: Invitae Variant Classification Sherloc (09022015). Collection method: clinical testing. Allele origin: germline.
Comment: This sequence change replaces alanine, which is neutral and non-polar, with valine, which is neutral and non-polar, at codon 862 of the IFT140 protein (p.Ala862Val). The frequency data for this variant in the population databases is considered unreliable, as metrics indicate poor data quality at this position in the gnomAD database. This variant has not been reported in the literature in individuals affected with IFT140-related conditions. ClinVar contains an entry for this variant (Variation ID: 1900693). Invitae Evidence Modeling of protein sequence and biophysical properties (such as structural, functional, and spatial information, amino acid conservation, physicochemical variation, residue mobility, and thermodynamic stability) has been performed for this missense variant. However, the output from this modeling did not meet the statistical confidence thresholds required to predict the impact of this variant on IFT140 protein function. In summary, the available evidence is currently insufficient to determine the role of this variant in disease. Therefore, it has been classified as a Variant of Uncertain Significance.